The following is an entry in ClinVar:

ClinVar aggregate classification (germline): Uncertain significance. Review status: criteria provided, multiple submitters, no conflicts (2 of 4 stars). 2 submissions from 2 submitters: Uncertain significance (2). Last evaluated 2026-01-12.

Conditions:
Arrhythmogenic cardiomyopathy with wooly hair and keratoderma. Also called: PALMOPLANTAR KERATODERMA WITH LEFT VENTRICULAR CARDIOMYOPATHY AND WOOLLY HAIR; Carvajal syndrome; Dilated cardiomyopathy with woolly hair and keratoderma; Arrhythmogenic cardiomyopathy with woolly hair and keratoderma. Identifiers: Orphanet 65282, MedGen C1854063, MONDO:0011581, OMIM 605676.
Arrhythmogenic right ventricular dysplasia 8 (ARVD8). Also called: Arrhythmogenic Right Ventricular Dysplasia/Cardiomyopathy 8; ARRHYTHMOGENIC RIGHT VENTRICULAR DYSPLASIA, FAMILIAL, 8; ARRHYTHMOGENIC RIGHT VENTRICULAR CARDIOMYOPATHY 8. Identifiers: MedGen C1843896, MONDO:0011831, OMIM 607450.
Cardiovascular phenotype. Identifiers: MedGen CN230736.

gnomAD v4.1: 7 of 1,614,116 alleles (0.00043%); highest among the groups gnomAD compares: Non-Finnish European, 0.00059%; no homozygotes.

Submissions (2):

Labcorp Genetics (formerly Invitae), Labcorp
Classification: Uncertain significance for Arrhythmogenic cardiomyopathy with wooly hair and keratoderma; Arrhythmogenic right ventricular dysplasia 8. Last evaluated: 2026-01-12. Review status: criteria provided, single submitter. Criteria: Invitae Variant Classification Sherloc (09022015). Collection method: clinical testing. Allele origin: germline.
Comment: This sequence change replaces aspartic acid, which is acidic and polar, with asparagine, which is neutral and polar, at codon 108 of the DSP protein (p.Asp108Asn). This variant is not present in population databases (gnomAD no frequency). This variant has not been reported in the literature in individuals affected with DSP-related conditions. ClinVar contains an entry for this variant (Variation ID: 3758418). An algorithm developed to predict the effect of missense changes on protein structure and function (PolyPhen-2) suggests that this variant is likely to be tolerated. In summary, the available evidence is currently insufficient to determine the role of this variant in disease. Therefore, it has been classified as a Variant of Uncertain Significance.

Ambry Genetics
Classification: Uncertain significance for Cardiovascular phenotype. Last evaluated: 2025-07-30. Review status: criteria provided, single submitter. Criteria: Ambry Variant Classification Scheme 2023. Collection method: clinical testing. Allele origin: germline.
Comment: The p.D108N variant (also known as c.322G>A), located in coding exon 3 of the DSP gene, results from a G to A substitution at nucleotide position 322. The aspartic acid at codon 108 is replaced by asparagine, an amino acid with highly similar properties. This amino acid position is conserved. In addition, this alteration is predicted to be tolerated by in silico analysis. Based on the available evidence, the clinical significance of this variant remains unclear.

NM_004415.4(DSP):c.322G>A (p.Asp108Asn)

Gene: DSP (desmoplakin; plus strand). Cytogenetic location: 6p24.3.
Variant type: single nucleotide variant.
Coding change: c.322G>A on transcript NM_004415.4 (MANE Select); coding-DNA position 322, G replaced by A.
Protein change: p.Asp108Asn; replaces aspartic acid 108 with asparagine.
Molecular consequence: missense variant.
Genome position (GRCh38, 1-based): chr6:7,558,164, G>A. VCF-style: chr6-7558164-G-A. GRCh37 (hg19) VCF-style: chr6-7558397-G-A.
Other names: c.322G>A, p.Asp108Asn (NM_001008844.3, NM_001319034.2, NM_001406591.1); short protein forms D108N.
Identifiers: ClinVar variation 3758418 (VCV003758418.3).